The following is an entry in ClinVar:

ClinVar aggregate classification (germline): Likely benign (0 of 4 stars; one submission).

Conditions:
TNFRSF1A-related disorder. Also called: TNFRSF1A-related condition.

Submission:

PreventionGenetics, part of Exact Sciences
Classification: Likely benign for TNFRSF1A-related condition. Last evaluated: 2024-06-03. Review status: no assertion criteria provided. Collection method: clinical testing. Allele origin: germline.
Comment: This variant is classified as likely benign based on ACMG/AMP sequence variant interpretation guidelines (Richards et al. 2015 PMID: 25741868, with internal and published modifications).

NM_001065.4(TNFRSF1A):c.551+1064_551+1068dup

Gene: TNFRSF1A (TNF receptor superfamily member 1A; minus strand). Cytogenetic location: 12p13.31.
Variant type: Duplication.
Coding change: c.551+1064_551+1068dup on transcript NM_001065.4 (MANE Select); bases 1064 to 1068 of the intron after coding-DNA position 551, 5 bases duplicated (TTTTT; older notation c.551+1064_551+1068dupTTTTT).
Molecular consequence: intron variant.
Genome position (GRCh38, 1-based): chr12:6,332,001-6,332,005, AAAAA duplicated on the plus strand (TTTTT on the coding strand, the reverse complement: TNFRSF1A is on the minus strand); duplicating any 5 consecutive bases within chr12:6,332,001-6,332,024 gives the same sequence; the c. name uses the placement nearest the transcript's 3' end. VCF-style (leftmost placement, unchanged base first): chr12-6332000-C-CAAAAA. GRCh37 (hg19) VCF-style: chr12-6441166-C-CAAAAA.
Other names: c.227+1064_227+1068dup (NM_001346091.2); c.-26-12_-26-8dup (NM_001346092.2).
Identifiers: ClinVar variation 3348026 (VCV003348026.1).
Genomic context (GRCh38, chr12:6,332,000, plus strand): 5'-GCAGTGAGCCGAGATCGCGCCACTGCATTCCAGCCTGGGCGACAGAGCAGGACTCTGTGT[C>CAAAAA]AAAAAAAAAAAAAAAAAAAAAAAAGAAGATTAATGGAAAATAAATAGTTTTGTGTCAGAC-3'